The following is an entry in ClinVar:

ClinVar aggregate classification (germline): Uncertain significance. Review status: criteria provided, multiple submitters, no conflicts (2 of 4 stars). 2 submissions from 2 submitters: Uncertain significance (2). Last evaluated 2024-09-21.

Conditions:
Autosomal recessive limb-girdle muscular dystrophy type 2N. Also called: MUSCULAR DYSTROPHY-DYSTROGLYCANOPATHY, LIMB-GIRDLE, POMT2-RELATED; Muscular dystrophy-dystroglycanopathy (limb-girdle), type C, 2. Identifiers: Orphanet 206559, MedGen C3150418, MONDO:0013162, OMIM 613158.
Muscular dystrophy-dystroglycanopathy (congenital with brain and eye anomalies), type A2. Also called: MUSCULAR DYSTROPHY-DYSTROGLYCANOPATHY (CONGENITAL WITH BRAIN AND EYE ANOMALIES), TYPE A, 2; WALKER-WARBURG SYNDROME OR MUSCLE-EYE-BRAIN DISEASE, POMT2-RELATED. Identifiers: Orphanet 588, Orphanet 899, MedGen C3150411, MONDO:0013154, OMIM 613150.
Muscular dystrophy-dystroglycanopathy (congenital with impaired intellectual development), type B, 2. Also called: MUSCULAR DYSTROPHY, CONGENITAL, POMT2-RELATED; Muscular dystrophy-dystroglycanopathy (congenital with intellectual disability), type B2. Identifiers: MedGen C3150416, MONDO:0013160, OMIM 613156.

gnomAD v4.1: 1 of 1,613,982 alleles (0.000062%); no homozygotes.

Submissions (2):

Labcorp Genetics (formerly Invitae), Labcorp
Classification: Uncertain significance for Muscular dystrophy-dystroglycanopathy (congenital with impaired intellectual development), type B, 2; Muscular dystrophy-dystroglycanopathy (congenital with brain and eye anomalies), type A2; Autosomal recessive limb-girdle muscular dystrophy type 2N. Last evaluated: 2024-09-21. Review status: criteria provided, single submitter. Criteria: Invitae Variant Classification Sherloc (09022015). Collection method: clinical testing. Allele origin: germline.
Comment: This sequence change replaces proline, which is neutral and non-polar, with leucine, which is neutral and non-polar, at codon 493 of the POMT2 protein (p.Pro493Leu). This variant is not present in population databases (gnomAD no frequency). This variant has not been reported in the literature in individuals affected with POMT2-related conditions. ClinVar contains an entry for this variant (Variation ID: 166905). Invitae Evidence Modeling of protein sequence and biophysical properties (such as structural, functional, and spatial information, amino acid conservation, physicochemical variation, residue mobility, and thermodynamic stability) has been performed for this missense variant. However, the output from this modeling did not meet the statistical confidence thresholds required to predict the impact of this variant on POMT2 protein function. In summary, the available evidence is currently insufficient to determine the role of this variant in disease. Therefore, it has been classified as a Variant of Uncertain Significance.

Eurofins Ntd Llc (ga)
Classification: Uncertain significance. Last evaluated: 2014-02-17. Review status: criteria provided, single submitter. Criteria: EGL Classification Definitions 2015. Collection method: clinical testing. Allele origin: germline. Observed: 1 variant allele, 1 heterozygote.

NC_000014.9:g.77285487G>A

Gene: POMT2 (protein O-mannosyltransferase 2; minus strand). Cytogenetic location: 14q24.3.
Variant type: single nucleotide variant.
Genome position: GRCh38 VCF-style: chr14-77285487-G-A. GRCh37 (hg19) VCF-style: chr14-77751830-G-A.
Other names: c.1478C>T, p.Pro493Leu (LRG_844t1).
Identifiers: ClinVar variation 166905 (VCV000166905.7), dbSNP rs727503874, ClinGen allele CA233772.